The following is an entry in ClinVar:

NM_001366385.1(CARD14):c.26C>G (p.Ser9Cys)

Gene: CARD14 (caspase recruitment domain family member 14; plus strand). Cytogenetic location: 17q25.3.
Variant type: single nucleotide variant.
Coding change: c.26C>G on transcript NM_001366385.1 (MANE Select); coding-DNA position 26, C replaced by G.
Protein change: p.Ser9Cys; replaces serine 9 with cysteine.
Molecular consequence: missense variant. On other transcripts: non-coding transcript variant (1).
Genome position (GRCh38, 1-based): chr17:80,181,464, C>G. VCF-style: chr17-80181464-C-G. GRCh37 (hg19) VCF-style: chr17-78155263-C-G.
Other names: c.26C>G, p.Ser9Cys (NM_001257970.1, NM_024110.4); short protein forms S9C.
Identifiers: ClinVar variation 834982 (VCV000834982.1), dbSNP rs779622128, ClinGen allele CA401352820.

ClinVar aggregate classification (germline): Uncertain significance (1 of 4 stars; one submission).

Conditions:
Psoriasis 2. Identifiers: MedGen C1864497, MONDO:0011269, OMIM 602723.
Pityriasis rubra pilaris (PRP). Also called: Pityriasis rubra pilaris--familial type. Identifiers: Orphanet 2897, MedGen C0032027, MONDO:0100017, OMIM 173200, MONDO:0008251.

Submission:

Labcorp Genetics (formerly Invitae), Labcorp
Classification: Uncertain significance for Pityriasis rubra pilaris; Psoriasis susceptibility 2. Last evaluated: 2019-11-29. Review status: criteria provided, single submitter. Criteria: Invitae Variant Classification Sherloc (09022015). Collection method: clinical testing. Allele origin: germline.
Comment: This sequence change replaces serine with cysteine at codon 9 of the CARD14 protein (p.Ser9Cys). The serine residue is moderately conserved and there is a moderate physicochemical difference between serine and cysteine. This variant is not present in population databases (ExAC no frequency). This variant has not been reported in the literature in individuals with CARD14-related conditions. Algorithms developed to predict the effect of missense changes on protein structure and function output the following: SIFT: "Tolerated"; PolyPhen-2: "Possibly Damaging"; Align-GVGD: "Class C0". The cysteine amino acid residue is found in multiple mammalian species, suggesting that this missense change does not adversely affect protein function. These predictions have not been confirmed by published functional studies and their clinical significance is uncertain. In summary, the available evidence is currently insufficient to determine the role of this variant in disease. Therefore, it has been classified as a Variant of Uncertain Significance.